The following is an entry in ClinVar:

NM_005751.5(AKAP9):c.11525C>T (p.Ser3842Phe)

Gene: AKAP9 (A-kinase anchoring protein 9; plus strand). Cytogenetic location: 7q21.2.
Variant type: single nucleotide variant.
Coding change: c.11525C>T on transcript NM_005751.5 (MANE Select); coding-DNA position 11525, C replaced by T.
Protein change: p.Ser3842Phe; replaces serine 3842 with phenylalanine.
Molecular consequence: missense variant.
Genome position (GRCh38, 1-based): chr7:92,107,401, C>T. VCF-style: chr7-92107401-C-T. GRCh37 (hg19) VCF-style: chr7-91736715-C-T.
Other names: c.6170C>T, p.Ser2057Phe (NM_001379277.1); c.11501C>T, p.Ser3834Phe (NM_147185.3); short protein forms S3842F, S3834F, S2057F.
Identifiers: ClinVar variation 527018 (VCV000527018.12), dbSNP rs936516286, ClinGen allele CA161904061.

ClinVar aggregate classification (germline): Uncertain significance. Review status: criteria provided, multiple submitters, no conflicts (2 of 4 stars). 3 submissions from 3 submitters: Uncertain significance (3). Last evaluated 2025-07-22.

Conditions:
Long QT syndrome (LQTS). Identifiers: MedGen C0023976, MeSH D008133, MONDO:0002442. Disease mechanism: loss of function. Inheritance: Various modes of inheritance.
Long QT syndrome 11 (LQT11). Identifiers: Orphanet 101016, Orphanet 768, MedGen C2678483, MONDO:0012738, OMIM 611820.

Allele frequency attached by ClinVar (database versions not stated): TOPMed below 0.00001; gnomAD exomes below 0.00001.
gnomAD v4.1: 6 of 1,613,648 alleles (0.00037%); highest among the groups gnomAD compares: East Asian, 0.0022%; no homozygotes.

Submissions (3):

Labcorp Genetics (formerly Invitae), Labcorp
Classification: Uncertain significance for Long QT syndrome. Last evaluated: 2025-07-22. Review status: criteria provided, single submitter. Criteria: Invitae Variant Classification Sherloc (09022015). Collection method: clinical testing. Allele origin: germline.
Comment: This sequence change replaces serine, which is neutral and polar, with phenylalanine, which is neutral and non-polar, at codon 3842 of the AKAP9 protein (p.Ser3842Phe). This variant is present in population databases (no rsID available, gnomAD 0.006%). This variant has not been reported in the literature in individuals affected with AKAP9-related conditions. ClinVar contains an entry for this variant (Variation ID: 527018). An algorithm developed to predict the effect of missense changes on protein structure and function (PolyPhen-2) suggests that this variant is likely to be disruptive. In summary, the available evidence is currently insufficient to determine the role of this variant in disease. Therefore, it has been classified as a Variant of Uncertain Significance.

Fulgent Genetics
Classification: Uncertain significance for Long QT syndrome 11. Last evaluated: 2021-10-13. Review status: criteria provided, single submitter. Criteria: ACMG Guidelines, 2015. Collection method: clinical testing. Allele origin: unknown.

Stanford Center for Inherited Cardiovascular Disease, Stanford University
Classification: Uncertain significance. Last evaluated: 2018-01-25. Review status: criteria provided, single submitter. Criteria: ACMG Guidelines, 2015. Collection method: provider interpretation. Allele origin: germline.